The following is an entry in ClinVar:

NM_138576.4(BCL11B):c.410A>G (p.Lys137Arg)

Gene: BCL11B (BCL11 transcription factor B; minus strand). Cytogenetic location: 14q32.2.
Variant type: single nucleotide variant.
Coding change: c.410A>G on transcript NM_138576.4 (MANE Select); coding-DNA position 410, A replaced by G.
Protein change: p.Lys137Arg; replaces lysine 137 with arginine.
Molecular consequence: missense variant.
Genome position (GRCh38, 1-based): chr14:99,257,488, T>C on the plus strand (A>G on the coding strand, the complement: BCL11B is on the minus strand). VCF-style: chr14-99257488-T-C. GRCh37 (hg19) VCF-style: chr14-99723825-T-C.
Other names: c.407A>G, p.Lys136Arg (NM_001282237.2, NM_001282238.2); c.410A>G, p.Lys137Arg (NM_022898.3); short protein forms K136R, K137R.
Identifiers: ClinVar variation 4746850 (VCV004746850.1).

ClinVar aggregate classification (germline): Uncertain significance (1 of 4 stars; one submission).

Submission:

Labcorp Genetics (formerly Invitae), Labcorp
Classification: Uncertain significance. Last evaluated: 2025-04-11. Review status: criteria provided, single submitter. Criteria: Invitae Variant Classification Sherloc (09022015). Collection method: clinical testing. Allele origin: germline.
Comment: This sequence change replaces lysine, which is basic and polar, with arginine, which is basic and polar, at codon 137 of the BCL11B protein (p.Lys137Arg). This variant is not present in population databases (gnomAD no frequency). This variant has not been reported in the literature in individuals affected with BCL11B-related conditions. Invitae Evidence Modeling of protein sequence and biophysical properties (such as structural, functional, and spatial information, amino acid conservation, physicochemical variation, residue mobility, and thermodynamic stability) indicates that this missense variant is not expected to disrupt BCL11B protein function with a negative predictive value of 95%. In summary, the available evidence is currently insufficient to determine the role of this variant in disease. Therefore, it has been classified as a Variant of Uncertain Significance.